The following is an entry in ClinVar:

ClinVar aggregate classification (germline): Uncertain significance (1 of 4 stars; one submission).

Conditions:
Hypoplastic left heart syndrome. Also called: Hypoplastic left heart; Hypoplastic left ventricle. Identifiers: Orphanet 2248, MedGen C0152101, MONDO:0004933, HP:0004383.

Submission:

Labcorp Genetics (formerly Invitae), Labcorp
Classification: Uncertain significance for Hypoplastic left heart syndrome. Last evaluated: 2022-09-01. Review status: criteria provided, single submitter. Criteria: Invitae Variant Classification Sherloc (09022015). Collection method: clinical testing. Allele origin: germline.
Comment: In summary, the available evidence is currently insufficient to determine the role of this variant in disease. Therefore, it has been classified as a Variant of Uncertain Significance. This variant has not been reported in the literature in individuals affected with HAND1-related conditions. A gross deletion of the genomic region encompassing the full coding sequence of the HAND1 gene has been identified. The current clinical and genetic evidence is not sufficient to establish whether loss-of-function variants in HAND1 cause disease. The boundaries of this event are unknown as they extend beyond the assayed region for this gene and therefore may encompass additional genes.

NC_000005.9:g.(?_153855366)_(153857568_?)del

Gene: HAND1 (heart and neural crest derivatives expressed 1; minus strand). Cytogenetic location: 5q33.2.
Variant type: Deletion.
Identifiers: ClinVar variation 2425231 (VCV002425231.12).